The following is an entry in ClinVar:

ClinVar aggregate classification (germline): Benign (1 of 4 stars; one submission).

Conditions:
Parietal foramina 2 (PFM2). Identifiers: Orphanet 60015, MedGen C1865044, MONDO:0012309, OMIM 609597.

Allele frequency attached by ClinVar (database versions not stated): TOPMed 0.00121; gnomAD 0.00123 and 0.00141; 1000 Genomes Project 0.00319; 1000 Genomes Project 30x 0.00344.

Submission:

Illumina Laboratory Services, Illumina
Classification: Benign for Parietal foramina 2. Last evaluated: 2018-01-12. Review status: criteria provided, single submitter. Criteria: ICSL Variant Classification Criteria 13 December 2019. Collection method: clinical testing. Allele origin: germline.
Comment: This variant was observed in the ICSL laboratory as part of a predisposition screen in an ostensibly healthy population. It had not been previously curated by ICSL or reported in the Human Gene Mutation Database (HGMD: prior to June 1st, 2018), and was therefore a candidate for classification through an automated scoring system. Utilizing variant allele frequency, disease prevalence and penetrance estimates, and inheritance mode, an automated score was calculated to assess if this variant is too frequent to cause the disease. Based on the score and internal cut-off values, a variant classified as benign is not then subjected to further curation. The score for this variant resulted in a classification of benign for this disease.

NM_021926.4(ALX4):c.*782A>G

Gene: ALX4 (ALX homeobox 4; minus strand). Cytogenetic location: 11p11.2.
Variant type: single nucleotide variant.
Coding change: c.*782A>G on transcript NM_021926.4 (MANE Select); 782 bases downstream of the stop codon, A replaced by G.
Molecular consequence: 3 prime UTR variant.
Genome position (GRCh38, 1-based): chr11:44,264,072, T>C on the plus strand (A>G on the coding strand, the complement: ALX4 is on the minus strand). VCF-style: chr11-44264072-T-C. GRCh37 (hg19) VCF-style: chr11-44285622-T-C.
Other names: c.*782A>G (LRG_1256t1).
Identifiers: ClinVar variation 304684 (VCV000304684.5), dbSNP rs373562733, ClinGen allele CA10634890.